The following is an entry in ClinVar:

ClinVar aggregate classification (germline): Pathogenic (1 of 4 stars; one submission).

Submission:

Labcorp Genetics (formerly Invitae), Labcorp
Classification: Pathogenic. Last evaluated: 2022-08-09. Review status: criteria provided, single submitter. Criteria: Invitae Variant Classification Sherloc (09022015). Collection method: clinical testing. Allele origin: germline.
Comment: This variant is a gross deletion of the genomic region encompassing exon(s) 4-9 of the CYP11B1 gene, which includes the termination codon. This deletion extends beyond the assayed region for this gene and therefore may encompass additional genes. While this deletion is not anticipated to lead to nonsense mediated decay, it is expected to alter mRNA translation or result in a truncated protein product. This variant has not been reported in the literature in individuals affected with CYP11B1-related conditions. This variant disrupts a region of the CYP11B1 protein in which other variant(s) (p.Arg448Cys) have been determined to be pathogenic (PMID: 16030166, 28228528). This suggests that this is a clinically significant region of the protein, and that variants that disrupt it are likely to be disease-causing. For these reasons, this variant has been classified as Pathogenic.

Literature cited by the submitters: PubMed 16030166; PubMed 28228528.

NC_000008.10:g.(?_143955779)_(143958311_?)del

Gene: CYP11B1 (cytochrome P450 family 11 subfamily B member 1; minus strand). Cytogenetic location: 8q24.3.
Variant type: Deletion.
Identifiers: ClinVar variation 1498491 (VCV001498491.6).